The following is an entry in ClinVar:

ClinVar aggregate classification (germline): Uncertain significance. Review status: criteria provided, multiple submitters, no conflicts (2 of 4 stars). 6 submissions from 6 submitters: Uncertain significance (6). Last evaluated 2026-04-13.

Conditions:
FERMT3-related disorder. Also called: FERMT3-related condition.
Leukocyte adhesion deficiency 3. Also called: Leukocyte adhesion deficiency, type III; INTEGRIN ACTIVATION DEFICIENCY DISEASE; LEUKOCYTE ADHESION DEFICIENCY 1 VARIANT. Identifiers: Orphanet 2968, Orphanet 99844, MedGen C2748536, MONDO:0013016, OMIM 612840.
Inborn genetic diseases. Identifiers: MedGen C0950123, MeSH D030342.

Allele frequency attached by ClinVar (database versions not stated): ExAC 0.00032; 1000 Genomes Project 0.00020; TOPMed 0.00034; gnomAD 0.00036 and 0.00039; gnomAD exomes 0.00028; 1000 Genomes Project 30x 0.00031; ESP Exome Variant Server 0.00069.

Submissions (6):

GeneDx
Classification: Uncertain significance. Last evaluated: 2026-04-13. Review status: criteria provided, single submitter. Criteria: GeneDx Variant Classification Process June 2021. Collection method: clinical testing. Allele origin: germline.
Comment: Observed in large aggregate dataset examining de novo variants in patients with various developmental disorders (PMID: 35982159); In silico analysis supports that this missense variant has a deleterious effect on protein structure/function; This variant is associated with the following publications: (PMID: 35982159)

Blueprint Genetics
Classification: Uncertain significance. Last evaluated: 2024-11-21. Review status: criteria provided, single submitter. Criteria: ACMG Guidelines, 2015. Collection method: clinical testing. Allele origin: germline.

PreventionGenetics, part of Exact Sciences
Classification: Uncertain significance for FERMT3-related condition. Last evaluated: 2023-08-15. Review status: criteria provided, single submitter. Criteria: ACMG Guidelines, 2015. Collection method: clinical testing. Allele origin: germline.
Comment: The FERMT3 c.608C>T variant is predicted to result in the amino acid substitution p.Pro203Leu. To our knowledge, this variant has not been reported in the literature. This variant is reported in 0.054% of alleles in individuals of European (Non-Finnish) descent in gnomAD. Although we suspect that this variant may be benign, at this time, the clinical significance of this variant is uncertain due to the absence of conclusive functional and genetic evidence.

Labcorp Genetics (formerly Invitae), Labcorp
Classification: Uncertain significance for Leukocyte adhesion deficiency 3. Last evaluated: 2022-11-01. Review status: criteria provided, single submitter. Criteria: Invitae Variant Classification Sherloc (09022015). Collection method: clinical testing. Allele origin: germline.
Comment: This sequence change replaces proline, which is neutral and non-polar, with leucine, which is neutral and non-polar, at codon 203 of the FERMT3 protein (p.Pro203Leu). This variant is present in population databases (rs78534353, gnomAD 0.05%). This variant has not been reported in the literature in individuals affected with FERMT3-related conditions. ClinVar contains an entry for this variant (Variation ID: 837686). Advanced modeling of protein sequence and biophysical properties (such as structural, functional, and spatial information, amino acid conservation, physicochemical variation, residue mobility, and thermodynamic stability) performed at Invitae indicates that this missense variant is not expected to disrupt FERMT3 protein function. In summary, the available evidence is currently insufficient to determine the role of this variant in disease. Therefore, it has been classified as a Variant of Uncertain Significance.

Ambry Genetics
Classification: Uncertain significance for Inborn genetic diseases. Last evaluated: 2021-12-02. Review status: criteria provided, single submitter. Criteria: Ambry Variant Classification Scheme 2023. Collection method: clinical testing. Allele origin: germline.

Baylor Genetics
Classification: Uncertain significance for Leukocyte adhesion deficiency 3. Last evaluated: 2020-01-02. Review status: criteria provided, single submitter. Criteria: ACMG Guidelines, 2015. Collection method: clinical testing. Allele origin: unknown. Affected: yes.
Comment: This variant was determined to be of uncertain significance according to ACMG Guidelines, 2015 [PMID:25741868].

NM_031471.6(FERMT3):c.608C>T (p.Pro203Leu)

Gene: FERMT3 (FERM domain containing kindlin 3; plus strand). Cytogenetic location: 11q13.1.
Variant type: single nucleotide variant.
Coding change: c.608C>T on transcript NM_031471.6 (MANE Select); coding-DNA position 608, C replaced by T.
Protein change: p.Pro203Leu; replaces proline 203 with leucine.
Molecular consequence: missense variant.
Genome position (GRCh38, 1-based): chr11:64,211,368, C>T. VCF-style: chr11-64211368-C-T. GRCh37 (hg19) VCF-style: chr11-63978840-C-T.
Other names: c.608C>T, p.Pro203Leu (NM_001382361.1, NM_001382362.1, NM_001382448.1 and 1 more transcripts); c.68C>T, p.Pro23Leu (NM_001382363.1, NM_001382364.1); short protein forms P203L, P23L.
Identifiers: ClinVar variation 837686 (VCV000837686.9), dbSNP rs78534353, ClinGen allele CA6068819.